The following is an entry in ClinVar:

ClinVar aggregate classification (germline): Uncertain significance (1 of 4 stars; one submission).

gnomAD v4.1: 6 of 1,548,822 alleles (0.00039%); highest among the groups gnomAD compares: Middle Eastern, 0.017%; no homozygotes.

Submission:

Labcorp Genetics (formerly Invitae), Labcorp
Classification: Uncertain significance. Last evaluated: 2024-11-29. Review status: criteria provided, single submitter. Criteria: Invitae Variant Classification Sherloc (09022015). Collection method: clinical testing. Allele origin: germline.
Comment: This sequence change replaces histidine, which is basic and polar, with tyrosine, which is neutral and polar, at codon 447 of the RIMS1 protein (p.His447Tyr). The frequency data for this variant in the population databases is considered unreliable, as metrics indicate poor data quality at this position in the gnomAD database. This variant has not been reported in the literature in individuals affected with RIMS1-related conditions. An algorithm developed to predict the effect of missense changes on protein structure and function (PolyPhen-2) suggests that this variant is likely to be tolerated. In summary, the available evidence is currently insufficient to determine the role of this variant in disease. Therefore, it has been classified as a Variant of Uncertain Significance.

NM_014989.7(RIMS1):c.1339C>T (p.His447Tyr)

Gene: RIMS1 (regulating synaptic membrane exocytosis 1; plus strand). Cytogenetic location: 6q13.
Variant type: single nucleotide variant.
Coding change: c.1339C>T on transcript NM_014989.7 (MANE Select); coding-DNA position 1339, C replaced by T.
Protein change: p.His447Tyr; replaces histidine 447 with tyrosine.
Molecular consequence: missense variant.
Genome position (GRCh38, 1-based): chr6:72,182,810, C>T. VCF-style: chr6-72182810-C-T. GRCh37 (hg19) VCF-style: chr6-72892513-C-T.
Other names: short protein forms H447Y.
Identifiers: ClinVar variation 3678389 (VCV003678389.2).
Genomic context (GRCh38, chr6:72,182,810, plus strand): 5'-GCTTACTCGGCTGAGAGAACTGCGGAGACCAGGGCGCCGGGCGCCAAGCAGCTAACGAAC[C>T]ACAGCCCGCCGGCGCCCAGACATGGGCCGGTTCCCGCAGAAGCCCCGGAGCTCAAAGCCC-3'
Protein context (NP_055804.2, residues 437-457): RAPGAKQLTN[His447Tyr]SPPAPRHGPV